The following is an entry in ClinVar:

ClinVar aggregate classification (germline): Uncertain significance (1 of 4 stars; one submission).

Conditions:
CFI-related disorder. Also called: CFI-related condition; CFI-related disorders. Identifiers: MedGen CN239325.

Submission:

Genomenon, Inc
Classification: Uncertain significance for CFI-related disorder. Last evaluated: 2026-09-17. Review status: criteria provided, single submitter. Criteria: Genomenon Sequence Variant Interpretation Standards - Updated. Collection method: curation. Allele origin: germline. Affected: yes.
Comment: CFI p.Met138Ile (c.414G>T) is a missense variant that changes the amino acid at codon 138 from Methionine to Isoleucine. This variant has been observed in at least one proband affected with a CFI-related disorder (PMID:32510551;27268256). Functional studies have been reported (PMID:32510551;17597211). It is absent or not present at a significant frequency in gnomAD. In silico models predict that this variant is not damaging. In conclusion, we classify CFI p.Met138Ile (c.414G>T) as a variant of uncertain significance.

Literature cited by the submitters: PubMed 32510551; PubMed 27268256; PubMed 17597211.

NM_000204.5(CFI):c.414G>T (p.Met138Ile)

Gene: CFI (complement factor I; minus strand). Cytogenetic location: 4q25.
Variant type: single nucleotide variant.
Coding change: c.414G>T on transcript NM_000204.5 (MANE Select); coding-DNA position 414, G replaced by T.
Protein change: p.Met138Ile; replaces methionine 138 with isoleucine.
Molecular consequence: missense variant. On other transcripts: non-coding transcript variant (3), intron variant (1).
Genome position (GRCh38, 1-based): chr4:109,764,605, C>A on the plus strand (G>T on the coding strand, the complement: CFI is on the minus strand). VCF-style: chr4-109764605-C-A. GRCh37 (hg19) VCF-style: chr4-110685761-C-A.
Other names: c.414G>T, p.Met138Ile (NM_001318057.2, NM_001331035.2, NM_001375278.1 and 10 more transcripts); c.-127-2913G>T (NM_001375284.1); short protein forms M138I.
Identifiers: ClinVar variation 4280514 (VCV004280514.2).
Genomic context (GRCh38, chr4:109,764,605, plus strand): 5'-CCCAAGGTCAAGGCAGGCCACGTTGGCTTCCCTCATGCTCCAGCTGCTTTTGCATATGAA[C>A]ATTGTCTTATCTTGGTCCACAAGTTTTACTTCAACTATTCCCTCTGAATCTGTATTTCCA-3'
Protein context (NP_000195.3, residues 128-148): EVKLVDQDKT[Met138Ile]FICKSSWSMR